The following is an entry in ClinVar:

NM_033004.4(NLRP1):c.4057+60G>T

Gene: NLRP1 (NLR family pyrin domain containing 1; minus strand). Cytogenetic location: 17p13.2.
Variant type: single nucleotide variant.
Coding change: c.4057+60G>T on transcript NM_033004.4 (MANE Select); 60 bases into the intron after coding-DNA position 4057, G replaced by T.
Molecular consequence: intron variant.
Genome position (GRCh38, 1-based): chr17:5,517,686, C>A on the plus strand (G>T on the coding strand, the complement: NLRP1 is on the minus strand). VCF-style: chr17-5517686-C-A. GRCh37 (hg19) VCF-style: chr17-5421006-C-A.
Other names: c.4069+60G>T (NM_001033053.3); c.3835+60G>T (NM_033007.4); c.3967+60G>T (NM_033006.4); c.3925+60G>T (NM_014922.5).
Identifiers: ClinVar variation 2628153 (VCV002628153.2), dbSNP rs59564976, ClinGen allele CA14369554.

ClinVar aggregate classification (germline): Benign (1 of 4 stars; one submission).

Allele frequency attached by ClinVar (database versions not stated): 1000 Genomes Project 0.33546; 1000 Genomes Project 30x 0.33916; TOPMed 0.37143; gnomAD 0.37683; gnomAD exomes 0.40320.
gnomAD v4.1: 637,600 of 1,592,222 alleles (40%); highest among the groups gnomAD compares: Admixed American, 42%; 129,485 homozygotes.

Submission:

Unidad de Genómica Garrahan, Hospital de Pediatría Garrahan
Classification: Benign. Last evaluated: 2023-11-12. Review status: criteria provided, single submitter. Criteria: ACMG Guidelines, 2015. Collection method: clinical testing. Allele origin: germline. Affected: no. Observed: 53 variant alleles.
Comment: This variant is classified as Benign based on local population frequency. This variant was detected in 55% of patients studied by a panel of primary immunodeficiencies. Number of patients: 53. Only high quality variants are reported.